The following is an entry in ClinVar:

NM_004360.5(CDH1):c.1213A>G (p.Asn405Asp)

Gene: CDH1 (cadherin 1; plus strand). Cytogenetic location: 16q22.1.
Variant type: single nucleotide variant.
Coding change: c.1213A>G on transcript NM_004360.5 (MANE Select); coding-DNA position 1213, A replaced by G.
Protein change: p.Asn405Asp; replaces asparagine 405 with aspartic acid.
Molecular consequence: missense variant. On other transcripts: 5 prime UTR variant (2), intron variant (1).
Genome position (GRCh38, 1-based): chr16:68,813,388, A>G. VCF-style: chr16-68813388-A-G. GRCh37 (hg19) VCF-style: chr16-68847291-A-G.
Other names: c.1213A>G (LRG_301t1); c.-403A>G (NM_001317185.2); c.-607A>G (NM_001317186.2); c.1137+1125A>G (NM_001317184.2); short protein forms N405D.
Identifiers: ClinVar variation 483219 (VCV000483219.17), dbSNP rs1336921050, ClinGen allele CA396461326.

ClinVar aggregate classification (germline): Conflicting classifications of pathogenicity. Review status: criteria provided, conflicting classifications (1 of 4 stars). 3 submissions from 3 submitters: Uncertain significance (2); Likely benign (1). Last evaluated 2025-10-29.

Conditions:
Hereditary cancer-predisposing syndrome. Also called: Hereditary neoplastic syndrome; Neoplastic Syndromes, Hereditary; Tumor predisposition; Hereditary Cancer Syndrome. Identifiers: Orphanet 140162, MedGen C0027672, MeSH D009386, MONDO:0015356.
Hereditary diffuse gastric adenocarcinoma (HDGC). Also called: DIFFUSE GASTRIC AND LOBULAR BREAST CANCER SYNDROME. Identifiers: Orphanet 26106, MedGen C1708349, MONDO:0007648, OMIM 137215.

Allele frequency attached by ClinVar (database versions not stated): gnomAD exomes 0.00001.
gnomAD v4.1: 10 of 1,614,120 alleles (0.00062%); highest among the groups gnomAD compares: South Asian, 0.0099%; no homozygotes.

Submissions (3):

Labcorp Genetics (formerly Invitae), Labcorp
Classification: Uncertain significance for Hereditary diffuse gastric adenocarcinoma. Last evaluated: 2025-10-29. Review status: criteria provided, single submitter. Criteria: Invitae Variant Classification Sherloc (09022015). Collection method: clinical testing. Allele origin: germline.
Comment: This sequence change replaces asparagine, which is neutral and polar, with aspartic acid, which is acidic and polar, at codon 405 of the CDH1 protein (p.Asn405Asp). This variant is present in population databases (no rsID available, gnomAD 0.01%). This variant has not been reported in the literature in individuals affected with CDH1-related conditions. ClinVar contains an entry for this variant (Variation ID: 483219). An algorithm developed to predict the effect of missense changes on protein structure and function outputs the following: PolyPhen-2: "Benign". The aspartic acid amino acid residue is found in multiple mammalian species, which suggests that this missense change does not adversely affect protein function. In summary, the available evidence is currently insufficient to determine the role of this variant in disease. Therefore, it has been classified as a Variant of Uncertain Significance.

Ambry Genetics
Classification: Likely benign for Hereditary cancer-predisposing syndrome. Last evaluated: 2024-01-16. Review status: criteria provided, single submitter. Criteria: Ambry Variant Classification Scheme 2023. Collection method: clinical testing. Allele origin: germline.

Color Diagnostics, LLC DBA Color Health
Classification: Uncertain significance for Hereditary cancer-predisposing syndrome. Last evaluated: 2018-11-13. Review status: criteria provided, single submitter. Criteria: ACMG Guidelines, 2015. Collection method: clinical testing. Allele origin: germline.